The following is an entry in ClinVar:

ClinVar aggregate classification (germline): Uncertain significance (1 of 4 stars; one submission).

Conditions:
Autosomal dominant nocturnal frontal lobe epilepsy 5. Also called: Epilepsy, nocturnal frontal lobe, 5; CILIARY DYSKINESIA, PRIMARY, 28, WITHOUT SITUS INVERSUS; CILIARY DYSKINESIA, PRIMARY, 28, WITH SITUS INVERSUS; KCNT1-Related Epilepsy. Identifiers: Orphanet 98784, MedGen C3554306, MONDO:0014002, OMIM 615005.
Developmental and epileptic encephalopathy, 14 (DEE14). Also called: Early infantile epileptic encephalopathy 14. Identifiers: Orphanet 293181, MedGen C3554195, MONDO:0013989, OMIM 614959.

Allele frequency attached by ClinVar (database versions not stated): ExAC 0.00008.
gnomAD v4.1: 5 of 1,517,730 alleles (0.00033%); highest among the groups gnomAD compares: African/African-American, 0.0014%; no homozygotes.

Submission:

Labcorp Genetics (formerly Invitae), Labcorp
Classification: Uncertain significance for Autosomal dominant nocturnal frontal lobe epilepsy 5; Developmental and epileptic encephalopathy, 14. Last evaluated: 2025-04-08. Review status: criteria provided, single submitter. Criteria: Invitae Variant Classification Sherloc (09022015). Collection method: clinical testing. Allele origin: germline.
Comment: This sequence change replaces aspartic acid, which is acidic and polar, with alanine, which is neutral and non-polar, at codon 741 of the KCNT1 protein (p.Asp741Ala). This variant is present in population databases (rs756359375, gnomAD 0.002%). This variant has not been reported in the literature in individuals affected with KCNT1-related conditions. ClinVar contains an entry for this variant (Variation ID: 1345644). Invitae Evidence Modeling of protein sequence and biophysical properties (such as structural, functional, and spatial information, amino acid conservation, physicochemical variation, residue mobility, and thermodynamic stability) indicates that this missense variant is not expected to disrupt KCNT1 protein function with a negative predictive value of 80%. In summary, the available evidence is currently insufficient to determine the role of this variant in disease. Therefore, it has been classified as a Variant of Uncertain Significance.

NM_020822.3(KCNT1):c.2222A>C (p.Asp741Ala)

Gene: KCNT1 (potassium sodium-activated channel subfamily T member 1; plus strand). Cytogenetic location: 9q34.3.
Variant type: single nucleotide variant.
Coding change: c.2222A>C on transcript NM_020822.3 (MANE Select); coding-DNA position 2222, A replaced by C.
Protein change: p.Asp741Ala; replaces aspartic acid 741 with alanine.
Molecular consequence: missense variant.
Genome position (GRCh38, 1-based): chr9:135,772,928, A>C. VCF-style: chr9-135772928-A-C. GRCh37 (hg19) VCF-style: chr9-138664774-A-C.
Other names: c.2087A>C, p.Asp696Ala (NM_001272003.2); short protein forms D696A, D741A.
Identifiers: ClinVar variation 1345644 (VCV001345644.8), dbSNP rs756359375, ClinGen allele CA5327214.